The following is an entry in ClinVar:

NM_182914.3(SYNE2):c.10246G>A (p.Glu3416Lys)

Gene: SYNE2 (spectrin repeat containing nuclear envelope protein 2; plus strand). Cytogenetic location: 14q23.2.
Variant type: single nucleotide variant.
Coding change: c.10246G>A on transcript NM_182914.3 (MANE Select); coding-DNA position 10246, G replaced by A.
Protein change: p.Glu3416Lys; replaces glutamic acid 3416 with lysine.
Molecular consequence: missense variant.
Genome position (GRCh38, 1-based): chr14:64,065,465, G>A. VCF-style: chr14-64065465-G-A. GRCh37 (hg19) VCF-style: chr14-64532183-G-A.
Other names: c.10246G>A, p.Glu3416Lys (NM_015180.6); short protein forms E3416K.
Identifiers: ClinVar variation 2739196 (VCV002739196.3), dbSNP rs1284212626, ClinGen allele CA389990921.

ClinVar aggregate classification (germline): Uncertain significance (1 of 4 stars; one submission).

Conditions:
Emery-Dreifuss muscular dystrophy 5, autosomal dominant (EDMD5). Also called: EMERY-DREIFUSS MUSCULAR DYSTROPHY 5. Identifiers: Orphanet 261, MedGen C2751805, MONDO:0013072, OMIM 612999.

Allele frequency attached by ClinVar (database versions not stated): gnomAD exomes below 0.00001; TOPMed below 0.00001.
gnomAD v4.1: 5 of 1,614,092 alleles (0.00031%); highest among the groups gnomAD compares: Non-Finnish European, 0.00042%; no homozygotes.

Submission:

Labcorp Genetics (formerly Invitae), Labcorp
Classification: Uncertain significance for Emery-Dreifuss muscular dystrophy 5, autosomal dominant. Last evaluated: 2023-02-20. Review status: criteria provided, single submitter. Criteria: Invitae Variant Classification Sherloc (09022015). Collection method: clinical testing. Allele origin: germline.
Comment: This variant has not been reported in the literature in individuals affected with SYNE2-related conditions. In summary, the available evidence is currently insufficient to determine the role of this variant in disease. Therefore, it has been classified as a Variant of Uncertain Significance. An algorithm developed to predict the effect of missense changes on protein structure and function (PolyPhen-2) suggests that this variant is likely to be disruptive. This variant is present in population databases (no rsID available, gnomAD 0.0009%). This sequence change replaces glutamic acid, which is acidic and polar, with lysine, which is basic and polar, at codon 3416 of the SYNE2 protein (p.Glu3416Lys).